The following is an entry in ClinVar:

ClinVar aggregate classification (germline): Benign. Review status: criteria provided, multiple submitters, no conflicts (2 of 4 stars). 2 submissions from 2 submitters: Benign (2). Last evaluated 2018-06-14.

Allele frequency attached by ClinVar (database versions not stated): 1000 Genomes Project 0.17572; 1000 Genomes Project 30x 0.17879; gnomAD 0.22657 and 0.23538; TOPMed 0.24328.
gnomAD v4.1: 288,210 of 1,442,362 alleles (20%); highest among the groups gnomAD compares: African/African-American, 32%; 32,307 homozygotes.

Submissions (2):

GeneDx
Classification: Benign. Last evaluated: 2018-06-14. Review status: criteria provided, single submitter. Criteria: GeneDx Variant Classification (06012015). Collection method: clinical testing. Allele origin: germline. Affected: yes.
Comment: This variant is considered likely benign or benign based on one or more of the following criteria: it is a conservative change, it occurs at a poorly conserved position in the protein, it is predicted to be benign by multiple in silico algorithms, and/or has population frequency not consistent with disease.

Breakthrough Genomics
Classification: Benign. Review status: criteria provided, single submitter. Criteria: ACMG Guidelines, 2015. Collection method: not provided. Allele origin: germline. Inheritance: Autosomal dominant inheritance. Affected: yes.

NM_015443.4(KANSL1):c.2724+99G>C

Gene: KANSL1 (KAT8 regulatory NSL complex subunit 1). Cytogenetic location: 17q21.31.
Variant type: single nucleotide variant.
Coding change: c.2724+99G>C on transcript NM_015443.4 (MANE Select); 99 bases into the intron after coding-DNA position 2724, G replaced by C.
Molecular consequence: intron variant.
Genome position (GRCh38, 1-based): chr17:46,033,304, C>G on the plus strand (G>C on the coding strand, the complement: KANSL1 is on the minus strand). VCF-style: chr17-46033304-C-G. GRCh37 (hg19) VCF-style: chr17-44110670-C-G.
Other names: c.2721+99G>C (NM_001193465.2); c.2724+99G>C (NM_001379198.1, NM_001193466.2).
Identifiers: ClinVar variation 675042 (VCV000675042.2), dbSNP rs4597358, ClinGen allele CA14404206.
Genomic context (GRCh38, chr17:46,033,304, plus strand): 5'-CAGTCCCACCCCATTCTAGGTTCTTCCCGGTCACGACAGGAATACAAGGAGCTTGCACTT[C>G]ACACCCACAAGTCTTCAGGCCATTTAGGGTGTGTGCACTCATATGTATGTGTGCATGTGT-3'